The following is an entry in ClinVar:

ClinVar aggregate classification (germline): Uncertain significance. Review status: criteria provided, multiple submitters, no conflicts (2 of 4 stars). 3 submissions from 3 submitters: Uncertain significance (3). Last evaluated 2024-11-21.

Conditions:
Fetal akinesia deformation sequence 1 (FADS1). Also called: Fetal akinesia sequence; Pena-Shokeir syndrome type I. Identifiers: Orphanet 994, MedGen C1276035, MONDO:0100101, OMIM 208150, HP:0001989.
Congenital myasthenic syndrome 10. Also called: Myasthenia, limb-girdle, familial. Identifiers: Orphanet 590, MedGen C1850792, MONDO:0009690, OMIM 254300.

Allele frequency attached by ClinVar (database versions not stated): TOPMed 0.00002; gnomAD 0.00003 and 0.00002; ExAC 0.00005; gnomAD exomes 0.00002.
gnomAD v4.1: 49 of 1,596,228 alleles (0.0031%); highest among the groups gnomAD compares: South Asian, 0.013%; no homozygotes.

Submissions (3):

Blueprint Genetics
Classification: Uncertain significance. Last evaluated: 2024-11-21. Review status: criteria provided, single submitter. Criteria: ACMG Guidelines, 2015. Collection method: clinical testing. Allele origin: germline.

Labcorp Genetics (formerly Invitae), Labcorp
Classification: Uncertain significance for Congenital myasthenic syndrome 10; Fetal akinesia deformation sequence 1. Last evaluated: 2024-01-08. Review status: criteria provided, single submitter. Criteria: Invitae Variant Classification Sherloc (09022015). Collection method: clinical testing. Allele origin: germline.
Comment: This sequence change replaces glutamic acid, which is acidic and polar, with lysine, which is basic and polar, at codon 473 of the DOK7 protein (p.Glu473Lys). The frequency data for this variant in the population databases is considered unreliable, as metrics indicate poor data quality at this position in the gnomAD database. This variant has not been reported in the literature in individuals affected with DOK7-related conditions. ClinVar contains an entry for this variant (Variation ID: 534121). An algorithm developed to predict the effect of missense changes on protein structure and function (PolyPhen-2) suggests that this variant¬†is likely to be tolerated. In summary, the available evidence is currently insufficient to determine the role of this variant in disease. Therefore, it has been classified as a Variant of Uncertain Significance.

Revvity Omics, Revvity
Classification: Uncertain significance. Last evaluated: 2019-11-08. Review status: criteria provided, single submitter. Criteria: ACMG Guidelines, 2015. Collection method: clinical testing. Allele origin: germline.

NM_173660.5(DOK7):c.1417G>A (p.Glu473Lys)

Gene: DOK7 (docking protein 7; plus strand). Cytogenetic location: 4p16.3.
Variant type: single nucleotide variant.
Coding change: c.1417G>A on transcript NM_173660.5 (MANE Select); coding-DNA position 1417, G replaced by A.
Protein change: p.Glu473Lys; replaces glutamic acid 473 with lysine.
Molecular consequence: missense variant. On other transcripts: 3 prime UTR variant (1).
Genome position (GRCh38, 1-based): chr4:3,493,403, G>A. VCF-style: chr4-3493403-G-A. GRCh37 (hg19) VCF-style: chr4-3495130-G-A.
Other names: c.*638G>A (NM_001164673.2); c.487G>A, p.Glu163Lys (NM_001256896.2); c.1417G>A, p.Glu473Lys (NM_001301071.2); c.985G>A, p.Glu329Lys (NM_001363811.2); short protein forms E473K, E163K, E329K.
Identifiers: ClinVar variation 534121 (VCV000534121.10), dbSNP rs1359635065, ClinGen allele CA2829512.
Genomic context (GRCh38, chr4:3,493,403, plus strand): 5'-GGCCTGGTGATGGAGGCCCCCCAGGGCAGCGAGGCCACACTGCCTGGCCCTGCCCCTGGC[G>A]AGCCCTGGGAAGCAGGCGGCCCCCACGCGGGGCCACCCCCGGCTTTCTTTTCGGCATGTC-3'
Protein context (NP_775931.3, residues 463-483): EATLPGPAPG[Glu473Lys]PWEAGGPHAG